The following is an entry in ClinVar:

ClinVar aggregate classification (germline): Uncertain significance (1 of 4 stars; one submission).

Submission:

GeneDx
Classification: Uncertain significance. Last evaluated: 2024-12-30. Review status: criteria provided, single submitter. Criteria: GeneDx Variant Classification Process June 2021. Collection method: clinical testing. Allele origin: germline. Affected: yes.
Comment: Not observed at significant frequency in large population cohorts (gnomAD); In silico analysis indicates that this missense variant does not alter protein structure/function; Has not been previously published as pathogenic or benign to our knowledge

NM_031475.3(ESPN):c.2453G>T (p.Arg818Leu)

Gene: ESPN (espin; plus strand). Cytogenetic location: 1p36.31.
Variant type: single nucleotide variant.
Coding change: c.2453G>T on transcript NM_031475.3 (MANE Select); coding-DNA position 2453, G replaced by T.
Protein change: p.Arg818Leu; replaces arginine 818 with leucine.
Molecular consequence: missense variant.
Genome position (GRCh38, 1-based): chr1:6,460,034, G>T. VCF-style: chr1-6460034-G-T. GRCh37 (hg19) VCF-style: chr1-6520094-G-T.
Other names: c.2363G>T, p.Arg788Leu (NM_001367473.1); c.2390G>T, p.Arg797Leu (NM_001367474.1); short protein forms R788L, R797L, R818L.
Identifiers: ClinVar variation 3907822 (VCV003907822.1).